The following is an entry in ClinVar:

NM_000548.5(TSC2):c.5393C>T (p.Ser1798Phe)

Gene: TSC2 (TSC complex subunit 2; plus strand). Cytogenetic location: 16p13.3.
Variant type: single nucleotide variant.
Coding change: c.5393C>T on transcript NM_000548.5 (MANE Select); coding-DNA position 5393, C replaced by T.
Protein change: p.Ser1798Phe; replaces serine 1798 with phenylalanine.
Molecular consequence: missense variant.
Genome position (GRCh38, 1-based): chr16:2,088,579, C>T. VCF-style: chr16-2088579-C-T. GRCh37 (hg19) VCF-style: chr16-2138580-C-T.
Other names: c.5192C>T, p.Ser1731Phe (NM_001077183.3); c.5324C>T, p.Ser1775Phe (NM_001114382.3); c.5084C>T, p.Ser1695Phe (NM_001318827.2); c.5048C>T, p.Ser1683Phe (NM_001318829.2); c.4661C>T, p.Ser1554Phe (NM_001318831.2); c.5225C>T, p.Ser1742Phe (NM_001318832.2); c.5195C>T, p.Ser1732Phe (NM_001363528.2); c.5261C>T, p.Ser1754Phe (NM_001370404.1); and 2 more; short protein forms S1695F, S1754F, S1554F, S1731F, S1683F, S1742F, S1751F, S1775F.
Identifiers: ClinVar variation 838366 (VCV000838366.13), dbSNP rs2091216208, ClinGen allele CA394316110.

ClinVar aggregate classification (germline): Uncertain significance. Review status: criteria provided, multiple submitters, no conflicts (2 of 4 stars). 2 submissions from 2 submitters: Uncertain significance (2). Last evaluated 2025-03-18.

Conditions:
Tuberous sclerosis 2 (TSC2). Identifiers: Orphanet 805, MedGen C1860707, MONDO:0013199, OMIM 613254.
Hereditary cancer-predisposing syndrome. Also called: Neoplastic Syndromes, Hereditary; Hereditary neoplastic syndrome; Tumor predisposition; Hereditary Cancer Syndrome. Identifiers: Orphanet 140162, MedGen C0027672, MeSH D009386, MONDO:0015356.

Submissions (2):

Ambry Genetics
Classification: Uncertain significance for Hereditary cancer-predisposing syndrome. Last evaluated: 2025-03-18. Review status: criteria provided, single submitter. Criteria: Ambry Variant Classification Scheme 2023. Collection method: clinical testing. Allele origin: germline.
Comment: The p.S1798F variant (also known as c.5393C>T), located in coding exon 41 of the TSC2 gene, results from a C to T substitution at nucleotide position 5393. The serine at codon 1798 is replaced by phenylalanine, an amino acid with highly dissimilar properties. This amino acid position is highly conserved in available vertebrate species. In addition, this alteration is predicted to be deleterious by in silico analysis. Based on the available evidence, the clinical significance of this variant remains unclear.

Labcorp Genetics (formerly Invitae), Labcorp
Classification: Uncertain significance for Tuberous sclerosis 2. Last evaluated: 2023-09-10. Review status: criteria provided, single submitter. Criteria: Invitae Variant Classification Sherloc (09022015). Collection method: clinical testing. Allele origin: germline.
Comment: In summary, the available evidence is currently insufficient to determine the role of this variant in disease. Therefore, it has been classified as a Variant of Uncertain Significance. Advanced modeling of protein sequence and biophysical properties (such as structural, functional, and spatial information, amino acid conservation, physicochemical variation, residue mobility, and thermodynamic stability) performed at Invitae indicates that this missense variant is not expected to disrupt TSC2 protein function. This sequence change replaces serine, which is neutral and polar, with phenylalanine, which is neutral and non-polar, at codon 1798 of the TSC2 protein (p.Ser1798Phe). This variant is not present in population databases (gnomAD no frequency). This variant has not been reported in the literature in individuals affected with TSC2-related conditions. ClinVar contains an entry for this variant (Variation ID: 838366).